The following is an entry in ClinVar:

ClinVar aggregate classification (germline): Uncertain significance (1 of 4 stars; one submission).

gnomAD v4.1: 1 of 1,613,782 alleles (0.000062%); highest among the groups gnomAD compares: Non-Finnish European, 0.000085%; no homozygotes.

Submission:

GeneDx
Classification: Uncertain significance. Last evaluated: 2026-02-18. Review status: criteria provided, single submitter. Criteria: GeneDx Variant Classification Process June 2021. Collection method: clinical testing. Allele origin: germline.
Comment: Not observed at significant frequency in large population cohorts (gnomAD); In silico analysis supports that this missense variant has a deleterious effect on protein structure/function; Has not been previously published as pathogenic or benign to our knowledge

NM_025265.4(TSEN2):c.191G>T (p.Gly64Val)

Gene: TSEN2 (tRNA splicing endonuclease subunit 2; plus strand). Cytogenetic location: 3p25.2.
Variant type: single nucleotide variant.
Coding change: c.191G>T on transcript NM_025265.4 (MANE Select); coding-DNA position 191, G replaced by T.
Protein change: p.Gly64Val; replaces glycine 64 with valine.
Molecular consequence: missense variant. On other transcripts: non-coding transcript variant (1).
Genome position (GRCh38, 1-based): chr3:12,492,137, G>T. VCF-style: chr3-12492137-G-T. GRCh37 (hg19) VCF-style: chr3-12533636-G-T.
Other names: c.191G>T, p.Gly64Val (NM_001145392.2, NM_001145393.3, NM_001145394.2 and 3 more transcripts); short protein forms G64V.
Identifiers: ClinVar variation 4976097 (VCV004976097.1).